The following is an entry in ClinVar:

ClinVar aggregate classification (germline): Uncertain significance (1 of 4 stars; one submission).

Conditions:
Encephalopathy, acute, infection-induced (herpes-specific), susceptibility to, 1. Also called: Herpes simplex encephalitis, susceptibility to, 1. Identifiers: Orphanet 1930, MedGen C2750180, MONDO:0024563, OMIM 610551.

Allele frequency attached by ClinVar (database versions not stated): ExAC 0.00002; gnomAD exomes 0.00003.
gnomAD v4.1: 18 of 1,613,726 alleles (0.0011%); highest among the groups gnomAD compares: South Asian, 0.02%; no homozygotes.

Submission:

Labcorp Genetics (formerly Invitae), Labcorp
Classification: Uncertain significance for Encephalopathy, acute, infection-induced (herpes-specific), susceptibility to, 1. Last evaluated: 2022-06-09. Review status: criteria provided, single submitter. Criteria: Invitae Variant Classification Sherloc (09022015). Collection method: clinical testing. Allele origin: germline.
Comment: In summary, the available evidence is currently insufficient to determine the role of this variant in disease. Therefore, it has been classified as a Variant of Uncertain Significance. Experimental studies and prediction algorithms are not available or were not evaluated, and the functional significance of this variant is currently unknown. This variant has not been reported in the literature in individuals affected with UNC93B1-related conditions. This variant is present in population databases (rs769636031, gnomAD 0.02%). This sequence change replaces aspartic acid, which is acidic and polar, with glycine, which is neutral and non-polar, at codon 200 of the UNC93B1 protein (p.Asp200Gly).

NM_030930.4(UNC93B1):c.599A>G (p.Asp200Gly)

Gene: UNC93B1 (unc-93B1 regulator of TLR signaling; minus strand). Cytogenetic location: 11q13.2.
Variant type: single nucleotide variant.
Coding change: c.599A>G on transcript NM_030930.4 (MANE Select); coding-DNA position 599, A replaced by G.
Protein change: p.Asp200Gly; replaces aspartic acid 200 with glycine.
Molecular consequence: missense variant.
Genome position (GRCh38, 1-based): chr11:67,999,261, T>C on the plus strand (A>G on the coding strand, the complement: UNC93B1 is on the minus strand). VCF-style: chr11-67999261-T-C. GRCh37 (hg19) VCF-style: chr11-67766731-T-C.
Other names: short protein forms D200G.
Identifiers: ClinVar variation 2066416 (VCV002066416.4), dbSNP rs769636031, ClinGen allele CA6145600.